The following is an entry in ClinVar:

ClinVar aggregate classification (germline): Uncertain significance (1 of 4 stars; one submission).

Conditions:
Arrhythmogenic right ventricular cardiomyopathy (ARVD). Also called: Arrhythmogenic right ventricular dysplasia; Cardiomyopathy, ARVC; Arrhythmogenic cardiomyopathy; Arrhythmogenic Right Ventricular Cardiomyopathy (ARVC). Identifiers: Orphanet 247, MedGen C0349788, MeSH D019571, MONDO:0016587. Disease mechanism: loss of function. Inheritance: Various modes of inheritance.

Submission:

All of Us Research Program, National Institutes of Health
Classification: Uncertain significance for Arrhythmogenic right ventricular cardiomyopathy. Last evaluated: 2023-07-19. Review status: criteria provided, single submitter. Criteria: ACMG Guidelines, 2015. Collection method: clinical testing. Allele origin: germline. Inheritance: Autosomal dominant inheritance. Observed: 1 variant allele, 1 heterozygote.
Comment: This missense variant replaces glutamic acid with lysine at codon 120 of the DSG2 protein. Computational prediction is inconclusive regarding the impact of this variant on protein structure and function (internally defined REVEL score threshold 0.5 < inconclusive < 0.7, PMID: 27666373). To our knowledge, functional studies have not been reported for this variant. This variant has not been reported in individuals affected with DSG2-related disorders in the literature. This variant has not been identified in the general population by the Genome Aggregation Database (gnomAD). The available evidence is insufficient to determine the role of this variant in disease conclusively. Therefore, this variant is classified as a Variant of Uncertain Significance.

This study involves interpretation of variants in research participants for the purpose of population health screening. Participant phenotype was not available at the time of variant classification. Additional details can be found in publication PMID: 35346344, PMCID: PMC8962531

NM_001943.5(DSG2):c.358G>A (p.Glu120Lys)

Gene: DSG2 (desmoglein 2; plus strand). Cytogenetic location: 18q12.1.
Variant type: single nucleotide variant.
Coding change: c.358G>A on transcript NM_001943.5 (MANE Select); coding-DNA position 358, G replaced by A.
Protein change: p.Glu120Lys; replaces glutamic acid 120 with lysine.
Molecular consequence: missense variant.
Genome position (GRCh38, 1-based): chr18:31,520,944, G>A. VCF-style: chr18-31520944-G-A. GRCh37 (hg19) VCF-style: chr18-29100907-G-A.
Other names: short protein forms E120K.
Identifiers: ClinVar variation 3072464 (VCV003072464.1), dbSNP rs2510910879, ClinGen allele CA402131644.